The following is an entry in ClinVar:

ClinVar aggregate classification (germline): Likely benign (0 of 4 stars; one submission).

Conditions:
CCAR2-related disorder. Also called: CCAR2-related condition.

Submission:

PreventionGenetics, part of Exact Sciences
Classification: Likely benign for CCAR2-related condition. Last evaluated: 2019-04-29. Review status: no assertion criteria provided. Collection method: clinical testing. Allele origin: germline.
Comment: This variant is classified as likely benign based on ACMG/AMP sequence variant interpretation guidelines (Richards et al. 2015 PMID: 25741868, with internal and published modifications).

NM_001393997.1(CCAR2):c.705-8dup

Gene: CCAR2 (cell cycle and apoptosis regulator 2; plus strand). Cytogenetic location: 8p21.3.
Variant type: Duplication.
Coding change: c.705-8dup on transcript NM_001393997.1 (MANE Select); 8 bases into the intron before coding-DNA position 705, one base duplicated (T; older notation c.705-8dupT).
Molecular consequence: intron variant.
Genome position (GRCh38, 1-based): chr8:22,614,084, T duplicated; the last of 2 consecutive T bases (chr8:22,614,083-22,614,084); duplicating either gives the same sequence. VCF-style (leftmost placement, unchanged base first): chr8-22614082-C-CT. GRCh37 (hg19) VCF-style: chr8-22471595-C-CT.
Other names: c.705-8dup (NM_001363069.2, NM_021174.6, NM_001363068.2).
Identifiers: ClinVar variation 3056349 (VCV003056349.2), dbSNP rs753484766, ClinGen allele CA4670424.